The following is an entry in ClinVar:

ClinVar aggregate classification (germline): Uncertain significance (1 of 4 stars; one submission).

Conditions:
Epilepsy. Also called: Seizure disorder. Identifiers: MedGen C0014544, MeSH D004827, MONDO:0005027.

Allele frequency attached by ClinVar (database versions not stated): TOPMed 0.00001.
gnomAD v4.1: 6 of 1,612,934 alleles (0.00037%); highest among the groups gnomAD compares: Non-Finnish European, 0.00042%; no homozygotes.

Submission:

Labcorp Genetics (formerly Invitae), Labcorp
Classification: Uncertain significance for Epilepsy. Last evaluated: 2022-07-26. Review status: criteria provided, single submitter. Criteria: Invitae Variant Classification Sherloc (09022015). Collection method: clinical testing. Allele origin: germline.
Comment: This sequence change replaces leucine, which is neutral and non-polar, with valine, which is neutral and non-polar, at codon 420 of the PIGQ protein (p.Leu420Val). This variant is not present in population databases (gnomAD no frequency). This variant has not been reported in the literature in individuals affected with PIGQ-related conditions. ClinVar contains an entry for this variant (Variation ID: 936021). Algorithms developed to predict the effect of missense changes on protein structure and function (SIFT, PolyPhen-2, Align-GVGD) all suggest that this variant is likely to be disruptive. Algorithms developed to predict the effect of sequence changes on RNA splicing suggest that this variant may create or strengthen a splice site. In summary, the available evidence is currently insufficient to determine the role of this variant in disease. Therefore, it has been classified as a Variant of Uncertain Significance.

NM_004204.5(PIGQ):c.1258C>G (p.Leu420Val)

Gene: PIGQ (phosphatidylinositol glycan anchor biosynthesis class Q; plus strand). Cytogenetic location: 16p13.3.
Variant type: single nucleotide variant.
Coding change: c.1258C>G on transcript NM_004204.5 (MANE Select); coding-DNA position 1258, C replaced by G.
Protein change: p.Leu420Val; replaces leucine 420 with valine.
Molecular consequence: missense variant.
Genome position (GRCh38, 1-based): chr16:579,103, C>G. VCF-style: chr16-579103-C-G. GRCh37 (hg19) VCF-style: chr16-629103-C-G.
Other names: c.1258C>G, p.Leu420Val (NM_148920.4); short protein forms L420V.
Identifiers: ClinVar variation 936021 (VCV000936021.7), dbSNP rs1000483000, ClinGen allele CA276486154.